The following is an entry in ClinVar:

ClinVar aggregate classification (germline): Uncertain significance. Review status: criteria provided, multiple submitters, no conflicts (2 of 4 stars). 2 submissions from 2 submitters: Uncertain significance (2). Last evaluated 2023-09-20.

Allele frequency attached by ClinVar (database versions not stated): gnomAD 0.00001; gnomAD exomes 0.00001; TOPMed 0.00001.
gnomAD v4.1: 12 of 1,613,374 alleles (0.00074%); highest among the groups gnomAD compares: Non-Finnish European, 0.00093%; no homozygotes.

Submissions (2):

Mayo Clinic Laboratories, Mayo Clinic
Classification: Uncertain significance. Last evaluated: 2023-09-20. Review status: criteria provided, single submitter. Criteria: ACMG Guidelines, 2015. Collection method: clinical testing. Allele origin: germline. Observed: 1 variant allele.
Comment: BP4

CeGaT Center for Human Genetics Tuebingen
Classification: Uncertain significance. Last evaluated: 2021-08-01. Review status: criteria provided, single submitter. Criteria: CeGaT Center For Human Genetics Tuebingen Variant Classification Criteria Version 2. Collection method: clinical testing. Allele origin: germline. Affected: yes. Observed: 1 variant allele.

NM_033305.3(VPS13A):c.7690G>A (p.Ala2564Thr)

Gene: VPS13A (vacuolar protein sorting 13 homolog A; plus strand). Cytogenetic location: 9q21.2.
Variant type: single nucleotide variant.
Coding change: c.7690G>A on transcript NM_033305.3 (MANE Select); coding-DNA position 7690, G replaced by A.
Protein change: p.Ala2564Thr; replaces alanine 2564 with threonine.
Molecular consequence: missense variant.
Genome position (GRCh38, 1-based): chr9:77,356,751, G>A. VCF-style: chr9-77356751-G-A. GRCh37 (hg19) VCF-style: chr9-79971667-G-A.
Other names: p.Ala2564Thr; c.7573G>A, p.Ala2525Thr (NM_001018037.2); c.7690G>A, p.Ala2564Thr (NM_001018038.3, NM_015186.4); short protein forms A2525T, A2564T.
Identifiers: ClinVar variation 1299146 (VCV001299146.36), dbSNP rs1002740657, ClinGen allele CA194394596.
Genomic context (GRCh38, chr9:77,356,751, plus strand): 5'-TGATTTTTGCTTTCTTAAATAAGTTCTGATGTGGTTTGGGAAACAAAGCCCAAGAAGAAG[G>A]CAAGATGGAAGCCAATGAGTGTAAAGCACACTGAGAAGTTAGAGAGAGAATTTAAGGAAT-3'
Protein context (NP_150648.2, residues 2554-2574): VVWETKPKKK[Ala2564Thr]RWKPMSVKHT